The following is an entry in ClinVar:

ClinVar aggregate classification (germline): Uncertain significance (1 of 4 stars; one submission).

Submission:

Labcorp Genetics (formerly Invitae), Labcorp
Classification: Uncertain significance. Last evaluated: 2025-07-30. Review status: criteria provided, single submitter. Criteria: Invitae Variant Classification Sherloc (09022015). Collection method: clinical testing. Allele origin: germline.
Comment: This sequence change replaces valine, which is neutral and non-polar, with isoleucine, which is neutral and non-polar, at codon 1122 of the ZDBF2 protein (p.Val1122Ile). This variant is not present in population databases (gnomAD no frequency). This variant has not been reported in the literature in individuals affected with ZDBF2-related conditions. An algorithm developed to predict the effect of missense changes on protein structure and function outputs the following: PolyPhen-2: "Benign". The isoleucine amino acid residue is found in multiple mammalian species, which suggests that this missense change does not adversely affect protein function. In summary, the available evidence is currently insufficient to determine the role of this variant in disease. Therefore, it has been classified as a Variant of Uncertain Significance.

NM_020923.3(ZDBF2):c.3364G>A (p.Val1122Ile)

Gene: ZDBF2 (zinc finger DBF-type containing 2; plus strand). Cytogenetic location: 2q33.3.
Variant type: single nucleotide variant.
Coding change: c.3364G>A on transcript NM_020923.3 (MANE Select); coding-DNA position 3364, G replaced by A.
Protein change: p.Val1122Ile; replaces valine 1122 with isoleucine.
Molecular consequence: missense variant.
Genome position (GRCh38, 1-based): chr2:206,307,892, G>A. VCF-style: chr2-206307892-G-A. GRCh37 (hg19) VCF-style: chr2-207172616-G-A.
Other names: c.3358G>A, p.Val1120Ile (NM_001285549.2); c.3364G>A, p.Val1122Ile (NM_001369654.1); short protein forms V1120I, V1122I.
Identifiers: ClinVar variation 4779077 (VCV004779077.1).